The following is an entry in ClinVar:

ClinVar aggregate classification (germline): Likely benign (1 of 4 stars; one submission).

Submission:

CeGaT Center for Human Genetics Tuebingen
Classification: Likely benign. Last evaluated: 2025-02-01. Review status: criteria provided, single submitter. Criteria: CeGaT Center For Human Genetics Tuebingen Variant Classification Criteria Version 2. Collection method: clinical testing. Allele origin: germline. Affected: yes. Observed: 1 variant allele.
Comment: MUC19: BP4, BP7

NC_000012.12:g.40486672C>A

Gene: MUC19 (mucin 19, oligomeric (gene/pseudogene); plus strand). Cytogenetic location: 12q12.
Variant type: single nucleotide variant.
Genome position: GRCh38 VCF-style: chr12-40486672-C-A. GRCh37 (hg19) VCF-style: chr12-40880474-C-A.
Identifiers: ClinVar variation 3770946 (VCV003770946.13).